The following is an entry in ClinVar:

NM_000238.4(KCNH2):c.268G>A (p.Glu90Lys)

Gene: KCNH2 (potassium voltage-gated channel subfamily H member 2; minus strand). Cytogenetic location: 7q36.1.
Variant type: single nucleotide variant.
Coding change: c.268G>A on transcript NM_000238.4 (MANE Select); coding-DNA position 268, G replaced by A.
Protein change: p.Glu90Lys; replaces glutamic acid 90 with lysine.
Molecular consequence: missense variant. On other transcripts: non-coding transcript variant (1).
Genome position (GRCh38, 1-based): chr7:150,974,750, C>T on the plus strand (G>A on the coding strand, the complement: KCNH2 is on the minus strand). VCF-style: chr7-150974750-C-T. GRCh37 (hg19) VCF-style: chr7-150671838-C-T.
Other names: c.91G>A, p.Glu31Lys (NM_001406755.1); c.268G>A, p.Glu90Lys (NM_172056.3); short protein forms E31K, E90K.
Identifiers: ClinVar variation 4758857 (VCV004758857.1).
Genomic context (GRCh38, chr7:150,974,750, plus strand): 5'-CCCGCCCCGGCCCGCTCCTACCATCTTTCCGGTAGAAGGCGATTTCCACTTTGCGCTCCT[C>T]GGCGCCCAGCAGTGCCTGCGCGATCTGCGCGGCAGCGCGGCGCTGCGTGCGCGGCCCGTG-3'
Protein context (NP_000229.1, residues 80-100): AQIAQALLGA[Glu90Lys]ERKVEIAFYR

ClinVar aggregate classification (germline): Uncertain significance (1 of 4 stars; one submission).

Conditions:
Cardiac arrhythmia. Also called: Arrhythmia; Cardiac rhythm disease. Identifiers: MedGen C0003811, MONDO:0007263, HP:0011675.

gnomAD v4.1: 3 of 1,605,978 alleles (0.00019%); highest among the groups gnomAD compares: Admixed American, 0.0034%; no homozygotes.

Submission:

Color Diagnostics, LLC DBA Color Health
Classification: Uncertain significance for Cardiac arrhythmia. Last evaluated: 2025-06-30. Review status: criteria provided, single submitter. Criteria: ACMG Guidelines, 2015. Collection method: clinical testing. Allele origin: germline.
Comment: This missense variant replaces glutamic acid with lysine at codon 90 of the KCNH2 protein. Computational prediction is inconclusive regarding the impact of this variant on protein structure and function. An in vitro functional study has shown that this variant does not alter trafficking or inactivation kinetics (PMID: 29752375). This variant has been reported in individuals affected with long QT syndrome (PMID: 20850565). It has also been reported in an individual affected with epilepsy (PMID: 31696929) and in a case of sudden infant death (PMID: 29752375). This variant has been identified in 3/229564 chromosomes in the general population by the Genome Aggregation Database (gnomAD). The available evidence is insufficient to determine the role of this variant in disease conclusively. Therefore, this variant is classified as a Variant of Uncertain Significance.

Literature cited by the submitters: PubMed 20850565; PubMed 29752375; PubMed 31696929.